The following is an entry in ClinVar:

NM_001035.3(RYR2):c.8377C>T (p.Arg2793Trp)

Gene: RYR2 (ryanodine receptor 2; plus strand). Cytogenetic location: 1q43.
Variant type: single nucleotide variant.
Coding change: c.8377C>T on transcript NM_001035.3 (MANE Select); coding-DNA position 8377, C replaced by T.
Protein change: p.Arg2793Trp; replaces arginine 2793 with tryptophan.
Molecular consequence: missense variant.
Genome position (GRCh38, 1-based): chr1:237,660,888, C>T. VCF-style: chr1-237660888-C-T. GRCh37 (hg19) VCF-style: chr1-237824188-C-T.
Other names: c.8377C>T (NM_001035.2); short protein forms R2793W.
Identifiers: ClinVar variation 924392 (VCV000924392.16), dbSNP rs373172640, ClinGen allele CA39805995.

ClinVar aggregate classification (germline): Uncertain significance. Review status: criteria provided, multiple submitters, no conflicts (2 of 4 stars). 4 submissions from 4 submitters: Uncertain significance (4). Last evaluated 2026-07-06.

Conditions:
Catecholaminergic polymorphic ventricular tachycardia (CVPT). Also called: Catecholamine-induced polymorphic ventricular tachycardia. Identifiers: Orphanet 3286, MedGen C5574922, MONDO:0017990.
Cardiomyopathy (CMYO). Also called: Cardiomyopathies. Identifiers: Orphanet 167848, MedGen C0878544, MONDO:0004994, HP:0001638. Inheritance: Various modes of inheritance.
Cardiovascular phenotype. Identifiers: MedGen CN230736.
Catecholaminergic polymorphic ventricular tachycardia 1. Also called: VENTRICULAR TACHYCARDIA, CATECHOLAMINERGIC POLYMORPHIC, 1, WITH OR WITHOUT ATRIAL DYSFUNCTION AND/OR DILATED CARDIOMYOPATHY; RYR2-Related Catecholaminergic Polymorphic Ventricular Tachycardia; VENTRICULAR TACHYCARDIA, STRESS-INDUCED POLYMORPHIC 1. Identifiers: Orphanet 3286, MedGen C1631597, MONDO:0011484, OMIM 604772.

Allele frequency attached by ClinVar (database versions not stated): gnomAD exomes 0.00001; ESP Exome Variant Server 0.00011; gnomAD 0.00001; TOPMed 0.00001.
gnomAD v4.1: 17 of 1,537,726 alleles (0.0011%); highest among the groups gnomAD compares: East Asian, 0.0025%; no homozygotes.

Submissions (4):

Ambry Genetics
Classification: Uncertain significance for Cardiovascular phenotype. Last evaluated: 2026-07-06. Review status: criteria provided, single submitter. Criteria: Ambry Variant Classification Scheme 2023. Collection method: clinical testing. Allele origin: germline.
Comment: The p.R2793W variant (also known as c.8377C>T), located in coding exon 56 of the RYR2 gene, results from a C to T substitution at nucleotide position 8377. The arginine at codon 2793 is replaced by tryptophan, an amino acid with dissimilar properties. This amino acid position is conserved. In addition, the in silico prediction for this alteration is inconclusive. Based on the available evidence, the clinical significance of this variant remains unclear.

Labcorp Genetics (formerly Invitae), Labcorp
Classification: Uncertain significance for Catecholaminergic polymorphic ventricular tachycardia 1. Last evaluated: 2025-08-24. Review status: criteria provided, single submitter. Criteria: Invitae Variant Classification Sherloc (09022015). Collection method: clinical testing. Allele origin: germline.
Comment: This sequence change replaces arginine, which is basic and polar, with tryptophan, which is neutral and slightly polar, at codon 2793 of the RYR2 protein (p.Arg2793Trp). The frequency data for this variant in the population databases is considered unreliable, as metrics indicate poor data quality at this position in the gnomAD database. This variant has not been reported in the literature in individuals affected with RYR2-related conditions. ClinVar contains an entry for this variant (Variation ID: 924392). Invitae Evidence Modeling of protein sequence and biophysical properties (such as structural, functional, and spatial information, amino acid conservation, physicochemical variation, residue mobility, and thermodynamic stability) has been performed for this missense variant. However, the output from this modeling did not meet the statistical confidence thresholds required to predict the impact of this variant on RYR2 protein function. In summary, the available evidence is currently insufficient to determine the role of this variant in disease. Therefore, it has been classified as a Variant of Uncertain Significance.

All of Us Research Program, National Institutes of Health
Classification: Uncertain significance for Catecholaminergic polymorphic ventricular tachycardia. Last evaluated: 2024-05-14. Review status: criteria provided, single submitter. Criteria: ACMG Guidelines, 2015. Collection method: clinical testing. Allele origin: germline. Inheritance: Autosomal dominant inheritance. Observed: 7 variant alleles, 7 heterozygotes.
Comment: This missense variant replaces arginine with tryptophan at codon 2793 of the RYR2 protein. Computational prediction suggests that this variant may not impact protein structure and function (internally defined REVEL score threshold <= 0.5, PMID: 27666373). Splice site prediction tools suggest that this variant may not impact RNA splicing. To our knowledge, functional studies have not been performed for this variant. This variant has not been reported in individuals affected with cardiovascular disorders in the literature. This variant has been identified in 3/184560 chromosomes in the general population by the Genome Aggregation Database (gnomAD). The available evidence is insufficient to determine the role of this variant in disease conclusively. Therefore, this variant is classified as a Variant of Uncertain Significance.

This study involves interpretation of variants in research participants for the purpose of population health screening. Participant phenotype was not available at the time of variant classification. Additional details can be found in publication PMID: 35346344, PMCID: PMC8962531

Color Diagnostics, LLC DBA Color Health
Classification: Uncertain significance for Cardiomyopathy. Last evaluated: 2024-03-06. Review status: criteria provided, single submitter. Criteria: ACMG Guidelines, 2015. Collection method: clinical testing. Allele origin: germline.
Comment: This variant is located in the RYR2 protein. Computational prediction suggests that this variant may not impact protein structure and function (internally defined REVEL score threshold <= 0.5, PMID: 27666373). To our knowledge, functional studies have not been reported for this variant. This variant has not been reported in individuals affected with RYR2-related disorders in the literature. This variant has been identified in 3/184560 chromosomes in the general population by the Genome Aggregation Database (gnomAD). The available evidence is insufficient to determine the role of this variant in disease conclusively. Therefore, this variant is classified as a Variant of Uncertain Significance.